The following is an entry in ClinVar:

ClinVar aggregate classification (germline): Pathogenic (1 of 4 stars; one submission).

Conditions:
Kabuki syndrome. Also called: NIIKAWA-KUROKI SYNDROME; Kabuki make-up syndrome. Identifiers: Orphanet 2322, MedGen C0796004, MONDO:0016512.

Submission:

Labcorp Genetics (formerly Invitae), Labcorp
Classification: Pathogenic for Kabuki syndrome. Last evaluated: 2025-03-03. Review status: criteria provided, single submitter. Criteria: Invitae Variant Classification Sherloc (09022015). Collection method: clinical testing. Allele origin: germline.
Comment: This sequence change creates a premature translational stop signal (p.Gln3901*) in the KMT2D gene. It is expected to result in an absent or disrupted protein product. Loss-of-function variants in KMT2D are known to be pathogenic (PMID: 22126750). This variant is not present in population databases (gnomAD no frequency). This variant has not been reported in the literature in individuals affected with KMT2D-related conditions. For these reasons, this variant has been classified as Pathogenic.

Literature cited by the submitters: PubMed 22126750.

NM_003482.4(KMT2D):c.11701C>T (p.Gln3901Ter)

Gene: KMT2D (lysine methyltransferase 2D; minus strand). Cytogenetic location: 12q13.12.
Variant type: single nucleotide variant.
Coding change: c.11701C>T on transcript NM_003482.4 (MANE Select); coding-DNA position 11701, C replaced by T.
Protein change: p.Gln3901Ter; replaces glutamine 3901 with a stop codon.
Molecular consequence: nonsense.
Genome position (GRCh38, 1-based): chr12:49,033,004, G>A on the plus strand (C>T on the coding strand, the complement: KMT2D is on the minus strand). VCF-style: chr12-49033004-G-A. GRCh37 (hg19) VCF-style: chr12-49426787-G-A.
Other names: short protein forms Q3901*.
Identifiers: ClinVar variation 3638555 (VCV003638555.2).
Genomic context (GRCh38, chr12:49,033,004, plus strand): 5'-GTAGCTGCTGCTGCTGCTGCTGCTGAAGTTGCTGTTGCTGTTGCAGCTGCTGCTGCTGCT[G>A]AAGCTGCTGTAAAGAGCCCATGGGCTGAGCGCTCAGTTTGGGCTGCCCACTGTGTGACAT-3'